The following is an entry in ClinVar:

NM_053025.4(MYLK):c.467G>A (p.Trp156Ter)

Gene: MYLK (myosin light chain kinase; minus strand). Cytogenetic location: 3q21.1.
Variant type: single nucleotide variant.
Coding change: c.467G>A on transcript NM_053025.4 (MANE Select); coding-DNA position 467, G replaced by A.
Protein change: p.Trp156Ter; replaces tryptophan 156 with a stop codon.
Molecular consequence: nonsense. On other transcripts: 5 prime UTR variant (1).
Genome position (GRCh38, 1-based): chr3:123,739,018, C>T on the plus strand (G>A on the coding strand, the complement: MYLK is on the minus strand). VCF-style: chr3-123739018-C-T. GRCh37 (hg19) VCF-style: chr3-123457865-C-T.
Other names: c.-62G>A (NM_001321309.2); c.467G>A, p.Trp156Ter (NM_053026.4, NM_053027.4, NM_053028.4); short protein forms W156*.
Identifiers: ClinVar variation 3012292 (VCV003012292.3), dbSNP rs146339915, ClinGen allele CA354241987.

ClinVar aggregate classification (germline): Uncertain significance (1 of 4 stars; one submission).

Conditions:
Aortic aneurysm, familial thoracic 7 (AAT7). Also called: AORTIC DISSECTION, FAMILIAL, WITH OR WITHOUT AORTIC ANEURYSM. Identifiers: MedGen C3151077, MONDO:0013418, OMIM 613780.

gnomAD v4.1: 2 of 1,613,922 alleles (0.00012%); highest among the groups gnomAD compares: Non-Finnish European, 0.00017%; no homozygotes.

Submission:

Labcorp Genetics (formerly Invitae), Labcorp
Classification: Uncertain significance for Aortic aneurysm, familial thoracic 7. Last evaluated: 2022-11-15. Review status: criteria provided, single submitter. Criteria: Invitae Variant Classification Sherloc (09022015). Collection method: clinical testing. Allele origin: germline.
Comment: In summary, the available evidence is currently insufficient to determine the role of this variant in disease. Therefore, it has been classified as a Variant of Uncertain Significance. This variant has not been reported in the literature in individuals affected with MYLK-related conditions. This variant is not present in population databases (gnomAD no frequency). This sequence change creates a premature translational stop signal (p.Trp156*) in the MYLK gene. This variant occurs in the long isoform of MYLK (PMID: 21055718). The current clinical and genetic evidence is not sufficient to establish whether loss-of-function variants in the long isoform of MYLK cause disease.

Literature cited by the submitters: PubMed 21055718.